The following is an entry in ClinVar:

ClinVar aggregate classification (germline): Likely benign (1 of 4 stars; one submission).

Allele frequency attached by ClinVar (database versions not stated): 1000 Genomes Project 30x 0.00172; 1000 Genomes Project 0.00180; ExAC 0.00400; gnomAD 0.00417; TOPMed 0.00454; ESP Exome Variant Server 0.00507; gnomAD exomes 0.00646.
gnomAD v4.1: 10,132 of 1,609,824 alleles (0.63%); highest among the groups gnomAD compares: Non-Finnish European, 0.75%; 40 homozygotes.

Submission:

CeGaT Center for Human Genetics Tuebingen
Classification: Likely benign. Last evaluated: 2022-09-01. Review status: criteria provided, single submitter. Criteria: CeGaT Center For Human Genetics Tuebingen Variant Classification Criteria Version 2. Collection method: clinical testing. Allele origin: germline. Affected: yes. Observed: 1 variant allele.
Comment: C3orf20: BP4, BP7

NM_032137.5(FAM194C):c.444C>T (p.Leu148=)

Gene: FAM194C (family with sequence similarity 194 member C; plus strand). Cytogenetic location: 3p25.1.
Variant type: single nucleotide variant.
Coding change: c.444C>T on transcript NM_032137.5 (MANE Select); coding-DNA position 444, C replaced by T.
Protein change: p.Leu148=; no amino-acid change (leucine 148 retained).
Molecular consequence: synonymous variant.
Genome position (GRCh38, 1-based): chr3:14,683,157, C>T. VCF-style: chr3-14683157-C-T. GRCh37 (hg19) VCF-style: chr3-14724664-C-T.
Other names: c.78C>T, p.Leu26= (NM_001184957.2, NM_001184958.2).
Identifiers: ClinVar variation 2653585 (VCV002653585.24), dbSNP rs34211414, ClinGen allele CA2270463.